The following is an entry in ClinVar:

ClinVar aggregate classification (germline): Uncertain significance (1 of 4 stars; one submission).

Conditions:
Polyhydramnios, megalencephaly, and symptomatic epilepsy (PMSE). Also called: PMSE SYNDROME. Identifiers: Orphanet 500533, MedGen C1970203, MONDO:0012611, OMIM 611087.

Allele frequency attached by ClinVar (database versions not stated): TOPMed below 0.00001; ExAC 0.00002; gnomAD 0.00003; gnomAD exomes 0.00003.

Submission:

Labcorp Genetics (formerly Invitae), Labcorp
Classification: Uncertain significance for Polyhydramnios, megalencephaly, and symptomatic epilepsy. Last evaluated: 2022-02-28. Review status: criteria provided, single submitter. Criteria: Invitae Variant Classification Sherloc (09022015). Collection method: clinical testing. Allele origin: germline.
Comment: This sequence change falls in intron 11 of the STRADA gene. It does not directly change the encoded amino acid sequence of the STRADA protein. It affects a nucleotide within the consensus splice site. This variant is present in population databases (rs771136896, gnomAD 0.04%). This variant has not been reported in the literature in individuals affected with STRADA-related conditions. Variants that disrupt the consensus splice site are a relatively common cause of aberrant splicing (PMID: 17576681, 9536098). Algorithms developed to predict the effect of sequence changes on RNA splicing suggest that this variant is not likely to affect RNA splicing. In summary, the available evidence is currently insufficient to determine the role of this variant in disease. Therefore, it has been classified as a Variant of Uncertain Significance.

Literature cited by the submitters: PubMed 17576681; PubMed 9536098.

NM_001003787.4(STRADA):c.1100+6C>T

Gene: STRADA (STE20 related adaptor alpha; minus strand). Cytogenetic location: 17q23.3.
Variant type: single nucleotide variant.
Coding change: c.1100+6C>T on transcript NM_001003787.4 (MANE Select); 6 bases into the intron after coding-DNA position 1100, C replaced by T.
Molecular consequence: intron variant. On other transcripts: missense variant (1).
Genome position (GRCh38, 1-based): chr17:63,704,335, G>A on the plus strand (C>T on the coding strand, the complement: STRADA is on the minus strand). VCF-style: chr17-63704335-G-A. GRCh37 (hg19) VCF-style: chr17-61781695-G-A.
Other names: c.*544C>T (NM_001411083.1, NM_001411084.1); c.*555C>T (NM_001411085.1); c.995C>T, p.Pro332Leu (NM_153335.6); c.898+97C>T (NM_001363789.1); c.989+6C>T (NM_001003786.3); c.835+97C>T (NM_001363790.1, NM_001363791.1); c.1076+6C>T (NM_001363786.1); c.922+97C>T (NM_001165969.2); and 4 more; short protein forms P332L.
Identifiers: ClinVar variation 2156723 (VCV002156723.1), dbSNP rs771136896, ClinGen allele CA8703140.
Genomic context (GRCh38, chr17:63,704,335, plus strand): 5'-CCCTGGCCTTACCCTCCTGAGCACCCTCTGCTCTCCCGAAGCCCAGGCCCAGGCCAGCAG[G>A]GATACCTGGCATCCGGGTTGCGCTGAAGGCACTGCTCCACAAAGTGGTGGAAGTGGGGGG-3'